The following is an entry in ClinVar:

ClinVar aggregate classification (germline): Uncertain significance (1 of 4 stars; one submission).

gnomAD v4.1: 1 of 1,614,164 alleles (0.000062%); highest among the groups gnomAD compares: Middle Eastern, 0.016%; no homozygotes.

Submission:

GeneDx
Classification: Uncertain significance. Last evaluated: 2026-02-25. Review status: criteria provided, single submitter. Criteria: GeneDx Variant Classification Process June 2021. Collection method: clinical testing. Allele origin: germline.
Comment: Not observed at significant frequency in large population cohorts (gnomAD); In silico analysis supports that this missense variant has a deleterious effect on protein structure/function; Has not been previously published as pathogenic or benign to our knowledge

NM_152722.5(HEPACAM):c.352G>A (p.Gly118Ser)

Gene: HEPACAM (hepatic and glial cell adhesion molecule; minus strand). Cytogenetic location: 11q24.2.
Variant type: single nucleotide variant.
Coding change: c.352G>A on transcript NM_152722.5 (MANE Select); coding-DNA position 352, G replaced by A.
Protein change: p.Gly118Ser; replaces glycine 118 with serine.
Molecular consequence: missense variant.
Genome position (GRCh38, 1-based): chr11:124,924,803, C>T on the plus strand (G>A on the coding strand, the complement: HEPACAM is on the minus strand). VCF-style: chr11-124924803-C-T. GRCh37 (hg19) VCF-style: chr11-124794699-C-T.
Other names: c.352G>A, p.Gly118Ser (NM_001411043.1, NM_001441320.1); short protein forms G118S.
Identifiers: ClinVar variation 5010031 (VCV005010031.1).